The following is an entry in ClinVar:

ClinVar aggregate classification (germline): Uncertain significance. Review status: criteria provided, multiple submitters, no conflicts (2 of 4 stars). 2 submissions from 2 submitters: Uncertain significance (2). Last evaluated 2022-07-15.

Conditions:
Inborn genetic diseases. Identifiers: MedGen C0950123, MeSH D030342.

gnomAD v4.1: 2 of 1,613,952 alleles (0.00012%); highest among the groups gnomAD compares: Non-Finnish European, 0.00017%; no homozygotes.

Submissions (2):

GeneDx
Classification: Uncertain significance. Last evaluated: 2022-07-15. Review status: criteria provided, single submitter. Criteria: GeneDx Variant Classification Process June 2021. Collection method: clinical testing. Allele origin: germline. Affected: yes.
Comment: Not observed at significant frequency in large population cohorts (gnomAD); In silico analysis supports that this missense variant has a deleterious effect on protein structure/function; Has not been previously published as pathogenic or benign to our knowledge

Ambry Genetics
Classification: Uncertain significance for Inborn genetic diseases. Last evaluated: 2022-05-01. Review status: criteria provided, single submitter. Criteria: Ambry Variant Classification Scheme 2023. Collection method: clinical testing. Allele origin: germline.
Comment: The p.C174G variant (also known as c.520T>G), located in coding exon 5 of the EPAS1 gene, results from a T to G substitution at nucleotide position 520. The cysteine at codon 174 is replaced by glycine, an amino acid with highly dissimilar properties. This amino acid position is conserved. In addition, this alteration is predicted to be deleterious by in silico analysis. Since supporting evidence is limited at this time, the clinical significance of this alteration remains unclear.

NM_001430.5(EPAS1):c.520T>G (p.Cys174Gly)

Genes: EPAS1 (endothelial PAS domain protein 1; plus strand), LOC126806210 (BRD4-independent group 4 enhancer GRCh37_chr2:46587586-46588785; plus strand). Cytogenetic location: 2p21.
Variant type: single nucleotide variant.
Coding change: c.520T>G on transcript NM_001430.5 (MANE Select); coding-DNA position 520, T replaced by G.
Protein change: p.Cys174Gly; replaces cysteine 174 with glycine.
Molecular consequence: missense variant.
Genome position (GRCh38, 1-based): chr2:46,360,703, T>G. VCF-style: chr2-46360703-T-G. GRCh37 (hg19) VCF-style: chr2-46587842-T-G.
Other names: short protein forms C174G.
Identifiers: ClinVar variation 1746107 (VCV001746107.3), dbSNP rs2546454969, ClinGen allele CA346699251.